The following is an entry in ClinVar:

NM_176869.3(PPA2):c.872C>A (p.Thr291Lys)

Gene: PPA2 (inorganic pyrophosphatase 2; minus strand). Cytogenetic location: 4q24.
Variant type: single nucleotide variant.
Coding change: c.872C>A on transcript NM_176869.3 (MANE Select); coding-DNA position 872, C replaced by A.
Protein change: p.Thr291Lys; replaces threonine 291 with lysine.
Molecular consequence: missense variant.
Genome position (GRCh38, 1-based): chr4:105,386,634, G>T on the plus strand (C>A on the coding strand, the complement: PPA2 is on the minus strand). VCF-style: chr4-105386634-G-T. GRCh37 (hg19) VCF-style: chr4-106307791-G-T.
Other names: c.785C>A, p.Thr262Lys (NM_006903.4); c.566C>A, p.Thr189Lys (NM_176866.2); c.374C>A, p.Thr125Lys (NM_176867.3); short protein forms T189K, T125K, T262K, T291K.
Identifiers: ClinVar variation 1403900 (VCV001403900.6), dbSNP rs141321054, ClinGen allele CA357788993.
Genomic context (GRCh38, chr4:105,386,634, plus strand): 5'-ACTAATGATCTTGCTTCCTCTTGAGTGCAACGGAAAGGGCTATCAGATATCTGCACGTTT[G>T]TGCTGGAGAGGAAAAGAGAATGTTATTATTAAACAGGATAAAAAGAAACAATTACCAAAA-3'
Protein context (NP_789845.1, residues 281-301): KKCNGGAINC[Thr291Lys]NVQISDSPFR

ClinVar aggregate classification (germline): Uncertain significance. Review status: criteria provided, multiple submitters, no conflicts (2 of 4 stars). 2 submissions from 2 submitters: Uncertain significance (2). Last evaluated 2022-11-15.

Conditions:
mitochondrial cardiomyopathy and sudden cardiac failure.

Allele frequency attached by ClinVar (database versions not stated): TOPMed below 0.00001.
gnomAD v4.1: 3 of 1,611,366 alleles (0.00019%); highest among the groups gnomAD compares: East Asian, 0.0022%; no homozygotes.

Submissions (2):

Clinical Genomics Laboratory, Stanford Medicine
Classification: Uncertain significance for mitochondrial cardiomyopathy and sudden cardiac failure. Last evaluated: 2022-11-15. Review status: criteria provided, single submitter. Criteria: ACMG Guidelines, 2015. Collection method: clinical testing. Allele origin: germline. Observed: 1 variant allele, 1 heterozygote.
Comment: The p.Thr291Lys variant in the PPA2 gene has not been previously reported in association with disease. This variant was absent from large population databases, including the Genome Aggregation Database. This variant is present in ClinVar (Variation ID: 1403900). Computational tools predict that this variant is neither deleterious nor benign; however, the accuracy of in silico algorithms is limited. These data were assessed using the ACMG/AMP variant interpretation guidelines. In summary, the significance of the p.Thr291Lys variant is uncertain. Additional information is needed to resolve the significance of this variant. [ACMG evidence codes used: PM2]

Labcorp Genetics (formerly Invitae), Labcorp
Classification: Uncertain significance. Last evaluated: 2022-10-13. Review status: criteria provided, single submitter. Criteria: Invitae Variant Classification Sherloc (09022015). Collection method: clinical testing. Allele origin: germline.
Comment: This sequence change replaces threonine, which is neutral and polar, with lysine, which is basic and polar, at codon 291 of the PPA2 protein (p.Thr291Lys). This variant is not present in population databases (gnomAD no frequency). This variant has not been reported in the literature in individuals affected with PPA2-related conditions. ClinVar contains an entry for this variant (Variation ID: 1403900). Algorithms developed to predict the effect of missense changes on protein structure and function are either unavailable or do not agree on the potential impact of this missense change (SIFT: "Tolerated"; PolyPhen-2: "Possibly Damaging"; Align-GVGD: "Class C0"). In summary, the available evidence is currently insufficient to determine the role of this variant in disease. Therefore, it has been classified as a Variant of Uncertain Significance.